The following is an entry in ClinVar:

NM_006361.6(HOXB13):c.486C>A (p.Ser162=)

Gene: HOXB13 (homeobox B13; minus strand). Cytogenetic location: 17q21.32.
Variant type: single nucleotide variant.
Coding change: c.486C>A on transcript NM_006361.6 (MANE Select); coding-DNA position 486, C replaced by A.
Protein change: p.Ser162=; no amino-acid change (serine 162 retained).
Molecular consequence: synonymous variant.
Genome position (GRCh38, 1-based): chr17:48,728,108, G>T on the plus strand (C>A on the coding strand, the complement: HOXB13 is on the minus strand). VCF-style: chr17-48728108-G-T. GRCh37 (hg19) VCF-style: chr17-46805470-G-T.
Identifiers: ClinVar variation 3772956 (VCV003772956.1).

ClinVar aggregate classification (germline): Benign (1 of 4 stars; one submission).

Conditions:
Prostate cancer, hereditary, 9 (HPC9). Identifiers: Orphanet 1331, MedGen C1970250, MONDO:0012597, OMIM 610997.

Submission:

Myriad Genetics, Inc.
Classification: Benign for Prostate cancer, hereditary, 9. Last evaluated: 2024-10-30. Review status: criteria provided, single submitter. Criteria: Myriad Autosomal Dominant, Autosomal Recessive and X-Linked Classification Criteria (2023). Collection method: clinical testing. Allele origin: unknown.
Comment: This variant is considered benign. This variant is a silent/synonymous amino acid change and it is not expected to impact splicing.